The following is an entry in ClinVar:

NM_017999.5(RNF31):c.1681C>T (p.Arg561Cys)

Gene: RNF31 (ring finger protein 31; plus strand). Cytogenetic location: 14q12.
Variant type: single nucleotide variant.
Coding change: c.1681C>T on transcript NM_017999.5 (MANE Select); coding-DNA position 1681, C replaced by T.
Protein change: p.Arg561Cys; replaces arginine 561 with cysteine.
Molecular consequence: missense variant.
Genome position (GRCh38, 1-based): chr14:24,151,323, C>T. VCF-style: chr14-24151323-C-T. GRCh37 (hg19) VCF-style: chr14-24620532-C-T.
Other names: c.1228C>T, p.Arg410Cys (NM_001310332.2); c.1681C>T (NM_017999.4); short protein forms R561C, R410C.
Identifiers: ClinVar variation 1510815 (VCV001510815.9), dbSNP rs1310867659, ClinGen allele CA389297632.

ClinVar aggregate classification (germline): Uncertain significance. Review status: criteria provided, multiple submitters, no conflicts (2 of 4 stars). 2 submissions from 2 submitters: Uncertain significance (2). Last evaluated 2025-10-29.

Allele frequency attached by ClinVar (database versions not stated): gnomAD 0.00001.
gnomAD v4.1: 17 of 1,614,072 alleles (0.0011%); highest among the groups gnomAD compares: East Asian, 0.0045%; no homozygotes.

Submissions (2):

Ambry Genetics
Classification: Uncertain significance. Last evaluated: 2025-10-29. Review status: criteria provided, single submitter. Criteria: Ambry Variant Classification Scheme 2023. Collection method: clinical testing. Allele origin: germline.

Labcorp Genetics (formerly Invitae), Labcorp
Classification: Uncertain significance. Last evaluated: 2023-10-27. Review status: criteria provided, single submitter. Criteria: Invitae Variant Classification Sherloc (09022015). Collection method: clinical testing. Allele origin: germline.
Comment: This sequence change replaces arginine, which is basic and polar, with cysteine, which is neutral and slightly polar, at codon 561 of the RNF31 protein (p.Arg561Cys). This variant is not present in population databases (gnomAD no frequency). This variant has not been reported in the literature in individuals affected with RNF31-related conditions. ClinVar contains an entry for this variant (Variation ID: 1510815). An algorithm developed to predict the effect of missense changes on protein structure and function (PolyPhen-2) suggests that this variant is likely to be tolerated. In summary, the available evidence is currently insufficient to determine the role of this variant in disease. Therefore, it has been classified as a Variant of Uncertain Significance.